The following is an entry in ClinVar:

NM_001201543.2(FAM161A):c.1851+4G>A

Gene: FAM161A (FAM161 centrosomal protein A; minus strand). Cytogenetic location: 2p15.
Variant type: single nucleotide variant.
Coding change: c.1851+4G>A on transcript NM_001201543.2 (MANE Select); 4 bases into the intron after coding-DNA position 1851, G replaced by A.
Molecular consequence: intron variant.
Genome position (GRCh38, 1-based): chr2:61,836,006, C>T on the plus strand (G>A on the coding strand, the complement: FAM161A is on the minus strand). VCF-style: chr2-61836006-C-T. GRCh37 (hg19) VCF-style: chr2-62063141-C-T.
Other names: c.1683+4G>A (NM_032180.3).
Identifiers: ClinVar variation 968279 (VCV000968279.8), dbSNP rs375048963, ClinGen allele CA1679021.

ClinVar aggregate classification (germline): Conflicting classifications of pathogenicity. Review status: criteria provided, conflicting classifications (1 of 4 stars). 4 submissions from 4 submitters: Uncertain significance (2); Likely benign (1). 1 of the submissions does not count toward it. Last evaluated 2025-08-11.

Conditions:
Retinitis pigmentosa 28 (RP28). Identifiers: Orphanet 791, MedGen C1419614, MONDO:0011630, OMIM 606068.
FAM161A-related disorder. Also called: FAM161A-related condition.

Allele frequency attached by ClinVar (database versions not stated): gnomAD exomes 0.00001 and 0.00004; ExAC 0.00005; ESP Exome Variant Server 0.00009; gnomAD 0.00009 and 0.00010; TOPMed 0.00023.
gnomAD v4.1: 30 of 1,553,428 alleles (0.0019%); highest among the groups gnomAD compares: African/African-American, 0.032%; no homozygotes.

Submissions (4):

PreventionGenetics, part of Exact Sciences
Classification: Likely benign for FAM161A-related condition. Last evaluated: 2025-08-11. Review status: criteria provided, single submitter. Criteria: ACMG Guidelines, 2015. Collection method: clinical testing. Allele origin: germline.
Comment: This variant is classified as likely benign based on ACMG/AMP sequence variant interpretation guidelines (Richards et al. 2015 PMID: 25741868, with internal and published modifications).

Women's Health and Genetics/Laboratory Corporation of America, LabCorp
Classification: Uncertain significance. Last evaluated: 2025-01-29. Review status: criteria provided, single submitter. Criteria: LabCorp Variant Classification Summary - May 2015. Collection method: clinical testing. Allele origin: germline.

Labcorp Genetics (formerly Invitae), Labcorp
Classification: Uncertain significance. Last evaluated: 2022-07-12. Review status: criteria provided, single submitter. Criteria: Invitae Variant Classification Sherloc (09022015). Collection method: clinical testing. Allele origin: germline.
Comment: This sequence change falls in intron 5 of the FAM161A gene. It does not directly change the encoded amino acid sequence of the FAM161A protein. It affects a nucleotide within the consensus splice site. This variant is present in population databases (rs375048963, gnomAD 0.04%). This variant has not been reported in the literature in individuals affected with FAM161A-related conditions. ClinVar contains an entry for this variant (Variation ID: 968279). Variants that disrupt the consensus splice site are a relatively common cause of aberrant splicing (PMID: 17576681, 9536098). Algorithms developed to predict the effect of sequence changes on RNA splicing suggest that this variant is not likely to affect RNA splicing. In summary, the available evidence is currently insufficient to determine the role of this variant in disease. Therefore, it has been classified as a Variant of Uncertain Significance.

Natera, Inc.
Classification: Uncertain significance for Retinitis pigmentosa type 28. Last evaluated: 2020-02-13. Review status: no assertion criteria provided. Collection method: clinical testing. Allele origin: germline. Not counted in ClinVar's aggregate classification.

Literature cited by the submitters: PubMed 17576681 (cited by Labcorp Genetics (formerly Invitae), Labcorp); PubMed 9536098 (cited by Labcorp Genetics (formerly Invitae), Labcorp).